The following is an entry in ClinVar:

ClinVar aggregate classification (germline): Likely pathogenic (1 of 4 stars; one submission).

Conditions:
Lysosomal acid lipase deficiency. Also called: Acid cholesteryl ester hydrolase deficiency, type 2. Identifiers: Orphanet 275761, MedGen C5574740, MONDO:0800449, MONDO:0010204.

Submission:

Myriad Genetics, Inc.
Classification: Likely pathogenic for Cholesteryl ester storage disease. Last evaluated: 2022-01-02. Review status: criteria provided, single submitter. Criteria: Myriad Women's Health Autosomal Recessive and X-Linked Classification Criteria (2021). Collection method: clinical testing. Allele origin: unknown.
Comment: NM_000235.2(LIPA):c.384delA(K128Nfs*33) is expected to be pathogenic in the context of lysosomal acid lipase deficiency. This variant is predicted to lead to an abnormal or absent protein product due to the creation of a premature termination codon in LIPA, a gene where loss-of-function variants are known to be pathogenic. Please note: this variant was assessed in the context of healthy population screening.

NM_000235.4(LIPA):c.384del (p.Lys128fs)

Gene: LIPA (lipase A, lysosomal acid type; minus strand). Cytogenetic location: 10q23.31.
Variant type: Deletion.
Coding change: c.384del on transcript NM_000235.4 (MANE Select); coding-DNA position 384, one base deleted (A; older notation c.384delA).
Protein change: p.Lys128fs; shifts the reading frame from lysine 128.
Molecular consequence: frameshift variant.
Genome position (GRCh38, 1-based): chr10:89,228,244, T deleted on the plus strand (A on the coding strand, the reverse complement: LIPA is on the minus strand); the first of 3 consecutive T bases (chr10:89,228,244-89,228,246); deleting any one gives the same sequence. VCF-style (leftmost placement, unchanged base first): chr10-89228243-GT-G. GRCh37 (hg19) VCF-style: chr10-90988000-GT-G.
Other names: c.384del, p.Lys128fs (NM_001127605.3); c.36del, p.Lys12fs (NM_001288979.2); short protein forms K128fs, K12fs.
Identifiers: ClinVar variation 1726974 (VCV001726974.2), dbSNP rs2495595268, ClinGen allele CA2580082279.